The following is an entry in ClinVar:

NM_000053.4(ATP7B):c.142C>T (p.Leu48=)

Gene: ATP7B (ATPase copper transporting beta; minus strand). Cytogenetic location: 13q14.3.
Variant type: single nucleotide variant.
Coding change: c.142C>T on transcript NM_000053.4 (MANE Select); coding-DNA position 142, C replaced by T.
Protein change: p.Leu48=; no amino-acid change (leucine 48 retained).
Molecular consequence: synonymous variant.
Genome position (GRCh38, 1-based): chr13:51,975,078, G>A on the plus strand (C>T on the coding strand, the complement: ATP7B is on the minus strand). VCF-style: chr13-51975078-G-A. GRCh37 (hg19) VCF-style: chr13-52549214-G-A.
Other names: c.142C>T, p.Leu48= (NM_001005918.3, NM_001243182.2, NM_001330578.2 and 1 more transcripts).
Identifiers: ClinVar variation 752894 (VCV000752894.10), dbSNP rs1593792416, ClinGen allele CA484025336.

ClinVar aggregate classification (germline): Likely benign. Review status: criteria provided, multiple submitters, no conflicts (2 of 4 stars). 2 submissions from 2 submitters: Likely benign (2). Last evaluated 2023-04-28.

Conditions:
Wilson disease (WND). Also called: Wilson's disease. Identifiers: Orphanet 905, MedGen C0019202, MONDO:0010200, OMIM 277900. Disease mechanism: loss of function.

Submissions (2):

All of Us Research Program, National Institutes of Health
Classification: Likely benign for Wilson disease. Last evaluated: 2023-04-28. Review status: criteria provided, single submitter. Criteria: ACMG Guidelines, 2015. Collection method: clinical testing. Allele origin: germline. Inheritance: Autosomal recessive inheritance. Observed: 1 variant allele, 1 heterozygote.
Comment: This study involves interpretation of variants in research participants for the purpose of population health screening. Participant phenotype was not available at the time of variant classification. Additional details can be found in publication PMID: 35346344, PMCID: PMC8962531

Labcorp Genetics (formerly Invitae), Labcorp
Classification: Likely benign for Wilson disease. Last evaluated: 2018-09-16. Review status: criteria provided, single submitter. Criteria: Invitae Variant Classification Sherloc (09022015). Collection method: clinical testing. Allele origin: germline.